The following is an entry in ClinVar:

ClinVar aggregate classification (germline): Likely benign. Review status: criteria provided, multiple submitters, no conflicts (2 of 4 stars). 6 submissions from 6 submitters: Likely benign (6). Last evaluated 2025-04-09.

Conditions:
Cardiovascular phenotype. Identifiers: MedGen CN230736.
Catecholaminergic polymorphic ventricular tachycardia (CVPT). Also called: Catecholamine-induced polymorphic ventricular tachycardia. Identifiers: Orphanet 3286, MedGen C5574922, MONDO:0017990.
Catecholaminergic polymorphic ventricular tachycardia 1. Also called: VENTRICULAR TACHYCARDIA, CATECHOLAMINERGIC POLYMORPHIC, 1, WITH OR WITHOUT ATRIAL DYSFUNCTION AND/OR DILATED CARDIOMYOPATHY; VENTRICULAR TACHYCARDIA, STRESS-INDUCED POLYMORPHIC 1; RYR2-Related Catecholaminergic Polymorphic Ventricular Tachycardia. Identifiers: Orphanet 3286, MedGen C1631597, MONDO:0011484, OMIM 604772.
Cardiomyopathy (CMYO). Also called: Cardiomyopathies. Identifiers: Orphanet 167848, MedGen C0878544, MONDO:0004994, HP:0001638. Inheritance: Various modes of inheritance.
Arrhythmogenic right ventricular dysplasia 2. Identifiers: MedGen C1832931.
Ventricular arrhythmias due to cardiac ryanodine receptor calcium release deficiency syndrome. Also called: Autosomal dominant cardiac arrhythmia (Kuhn). Identifiers: MedGen C5542154, MONDO:0020745, OMIM 115000.

Allele frequency attached by ClinVar (database versions not stated): gnomAD 0.00001; gnomAD exomes 0.00001 and 0.00002; TOPMed 0.00001.
gnomAD v4.1: 11 of 1,612,796 alleles (0.00068%); highest among the groups gnomAD compares: South Asian, 0.0011%; no homozygotes.

Submissions (6):

Molecular Diagnostic Laboratory for Inherited Cardiovascular Disease, Montreal Heart Institute
Classification: Likely benign. Last evaluated: 2025-04-09. Review status: criteria provided, single submitter. Criteria: ACMG Guidelines, 2015. Collection method: clinical testing. Allele origin: germline. Affected: no.
Comment: BP6;BP7

Labcorp Genetics (formerly Invitae), Labcorp
Classification: Likely benign for Catecholaminergic polymorphic ventricular tachycardia 1. Last evaluated: 2025-01-06. Review status: criteria provided, single submitter. Criteria: Invitae Variant Classification Sherloc (09022015). Collection method: clinical testing. Allele origin: germline.

Ambry Genetics
Classification: Likely benign for Cardiovascular phenotype. Last evaluated: 2024-11-03. Review status: criteria provided, single submitter. Criteria: Ambry Variant Classification Scheme 2023. Collection method: clinical testing. Allele origin: germline.

All of Us Research Program, National Institutes of Health
Classification: Likely benign for Catecholaminergic polymorphic ventricular tachycardia. Last evaluated: 2023-11-20. Review status: criteria provided, single submitter. Criteria: ACMG Guidelines, 2015. Collection method: clinical testing. Allele origin: germline. Inheritance: Autosomal dominant inheritance. Observed: 2 variant alleles, 2 heterozygotes.
Comment: This study involves interpretation of variants in research participants for the purpose of population health screening. Participant phenotype was not available at the time of variant classification. Additional details can be found in publication PMID: 35346344, PMCID: PMC8962531

Fulgent Genetics
Classification: Likely benign for Ventricular arrhythmias due to cardiac ryanodine receptor calcium release deficiency syndrome; Catecholaminergic polymorphic ventricular tachycardia 1. Last evaluated: 2021-07-23. Review status: criteria provided, single submitter. Criteria: ACMG Guidelines, 2015. Collection method: clinical testing. Allele origin: unknown.

Color Diagnostics, LLC DBA Color Health
Classification: Likely benign for Cardiomyopathy. Last evaluated: 2021-03-09. Review status: criteria provided, single submitter. Criteria: ACMG Guidelines, 2015. Collection method: clinical testing. Allele origin: germline.

NM_001035.3(RYR2):c.13734G>A (p.Leu4578=)

Gene: RYR2 (ryanodine receptor 2; plus strand). Cytogenetic location: 1q43.
Variant type: single nucleotide variant.
Coding change: c.13734G>A on transcript NM_001035.3 (MANE Select); coding-DNA position 13734, G replaced by A.
Protein change: p.Leu4578=; no amino-acid change (leucine 4578 retained).
Molecular consequence: synonymous variant.
Genome position (GRCh38, 1-based): chr1:237,792,275, G>A. VCF-style: chr1-237792275-G-A. GRCh37 (hg19) VCF-style: chr1-237955575-G-A.
Other names: c.13734G>A (NM_001035.2).
Identifiers: ClinVar variation 1332517 (VCV001332517.8), dbSNP rs1268914442, ClinGen allele CA423827471.